The following is an entry in ClinVar:

NM_020066.5(FMN2):c.3297G>T (p.Pro1099=)

Gene: FMN2 (formin 2; plus strand). Cytogenetic location: 1q43.
Variant type: single nucleotide variant.
Coding change: c.3297G>T on transcript NM_020066.5 (MANE Select); coding-DNA position 3297, G replaced by T.
Protein change: p.Pro1099=; no amino-acid change (proline 1099 retained).
Molecular consequence: synonymous variant. On other transcripts: intron variant (1).
Genome position (GRCh38, 1-based): chr1:240,208,109, G>T. VCF-style: chr1-240208109-G-T. GRCh37 (hg19) VCF-style: chr1-240371409-G-T.
Other names: c.3309G>T, p.Pro1103= (NM_001305424.2); c.1986+19847G>T (NM_001348094.2); c.3297G>T (NM_020066.4).
Identifiers: ClinVar variation 1335023 (VCV001335023.37), dbSNP rs373533409, ClinGen allele CA1477078.

ClinVar aggregate classification (germline): Likely benign. Review status: criteria provided, multiple submitters, no conflicts (2 of 4 stars). 4 submissions from 4 submitters: Likely benign (3). 1 of the submissions does not count toward it. Last evaluated 2026-08-01.

Conditions:
FMN2-related disorder. Also called: FMN2-related condition.

Submissions (4):

CeGaT Center for Human Genetics Tuebingen
Classification: Likely benign. Last evaluated: 2026-08-01. Review status: criteria provided, single submitter. Criteria: CeGaT Center For Human Genetics Tuebingen Variant Classification Criteria Version 2. Collection method: clinical testing. Allele origin: germline. Affected: yes. Observed: 22 variant alleles.
Comment: FMN2: BP4, BP7

Blueprint Genetics
Classification: Likely benign. Last evaluated: 2024-11-19. Review status: criteria provided, single submitter. Criteria: ACMG Guidelines, 2015. Collection method: clinical testing. Allele origin: germline.

Breakthrough Genomics
Classification: Likely benign. Review status: criteria provided, single submitter. Criteria: ACMG Guidelines, 2015. Collection method: not provided. Allele origin: germline. Inheritance: Autosomal recessive inheritance. Affected: yes.

PreventionGenetics, part of Exact Sciences
Classification: Likely benign for FMN2-related condition. Last evaluated: 2024-09-26. Review status: no assertion criteria provided. Collection method: clinical testing. Allele origin: germline. Not counted in ClinVar's aggregate classification.
Comment: This variant is classified as likely benign based on ACMG/AMP sequence variant interpretation guidelines (Richards et al. 2015 PMID: 25741868, with internal and published modifications).